The following is an entry in ClinVar:

ClinVar aggregate classification (germline): Uncertain significance (1 of 4 stars; one submission).

gnomAD v4.1: 1 of 1,613,828 alleles (0.000062%); no homozygotes.

Submission:

Labcorp Genetics (formerly Invitae), Labcorp
Classification: Uncertain significance. Last evaluated: 2025-11-18. Review status: criteria provided, single submitter. Criteria: Invitae Variant Classification Sherloc (09022015). Collection method: clinical testing. Allele origin: germline.
Comment: This sequence change replaces leucine, which is neutral and non-polar, with phenylalanine, which is neutral and non-polar, at codon 179 of the ZMPSTE24 protein (p.Leu179Phe). This variant is not present in population databases (gnomAD no frequency). This variant has not been reported in the literature in individuals affected with ZMPSTE24-related conditions. Invitae Evidence Modeling of protein sequence and biophysical properties (such as structural, functional, and spatial information, amino acid conservation, physicochemical variation, residue mobility, and thermodynamic stability) indicates that this missense variant is not expected to disrupt ZMPSTE24 protein function with a negative predictive value of 80%. In summary, the available evidence is currently insufficient to determine the role of this variant in disease. Therefore, it has been classified as a Variant of Uncertain Significance.

NM_005857.5(ZMPSTE24):c.537G>C (p.Leu179Phe)

Gene: ZMPSTE24 (zinc metallopeptidase STE24; plus strand). Cytogenetic location: 1p34.2.
Variant type: single nucleotide variant.
Coding change: c.537G>C on transcript NM_005857.5 (MANE Select); coding-DNA position 537, G replaced by C.
Protein change: p.Leu179Phe; replaces leucine 179 with phenylalanine.
Molecular consequence: missense variant.
Genome position (GRCh38, 1-based): chr1:40,270,037, G>C. VCF-style: chr1-40270037-G-C. GRCh37 (hg19) VCF-style: chr1-40735709-G-C.
Other names: short protein forms L179F.
Identifiers: ClinVar variation 4774998 (VCV004774998.1).